The following is an entry in ClinVar:

ClinVar aggregate classification (germline): Pathogenic. Review status: criteria provided, multiple submitters, no conflicts (2 of 4 stars). 9 submissions from 9 submitters: Pathogenic (9). Last evaluated 2025-12-23.

Conditions:
BLM-related disorder. Also called: BLM-related condition.
Hereditary cancer-predisposing syndrome. Also called: Neoplastic Syndromes, Hereditary; Hereditary Cancer Syndrome; Hereditary neoplastic syndrome; Tumor predisposition. Identifiers: Orphanet 140162, MedGen C0027672, MeSH D009386, MONDO:0015356.
Bloom syndrome (BLM). Also called: Bloom-Torre-Machacek syndrome. Identifiers: Orphanet 125, MedGen C0005859, MONDO:0008876, OMIM 210900.

Submissions (9):

Myriad Genetics, Inc.
Classification: Pathogenic for Bloom syndrome. Last evaluated: 2025-12-23. Review status: criteria provided, single submitter. Criteria: Myriad Autosomal Dominant, Autosomal Recessive and X-Linked Classification Criteria (2023). Collection method: clinical testing. Allele origin: unknown.
Comment: This variant is considered pathogenic. This variant creates a frameshift predicted to result in premature protein truncation.

Labcorp Genetics (formerly Invitae), Labcorp
Classification: Pathogenic for Bloom syndrome. Last evaluated: 2025-10-19. Review status: criteria provided, single submitter. Criteria: Invitae Variant Classification Sherloc (09022015). Collection method: clinical testing. Allele origin: germline.
Comment: This sequence change creates a premature translational stop signal (p.Phe1087Leufs*11) in the BLM gene. It is expected to result in an absent or disrupted protein product. Loss-of-function variants in BLM are known to be pathogenic (PMID: 17407155). This variant is not present in population databases (gnomAD no frequency). This premature translational stop signal has been observed in individual(s) with Bloom syndrome (PMID: 17407155). ClinVar contains an entry for this variant (Variation ID: 454132). For these reasons, this variant has been classified as Pathogenic.

Natera, Inc.
Classification: Pathogenic for Bloom syndrome. Last evaluated: 2025-09-26. Review status: criteria provided, single submitter. Criteria: Natera Variant Classification Schema (03/2026). Collection method: clinical testing. Allele origin: germline.
Comment: The c.3261delT variant in BLM is a frameshift variant predicted to shift the reading frame beginning at codon 1087 and leads to a stop codon 11 codons downstream. This variant is expected to result in nonsense mediated decay, truncation, or a dysfunctional protein product. This variant is rare in the general population with a frequency below the threshold expected for the associated phenotype(s). This variant has been observed in one or more individuals affected with the associated recessive disease, as either homozygous or compound heterozygous with a second variant (PMID: 17407155). Given the available evidence, this variant is classified as Pathogenic.

Baylor Genetics
Classification: Pathogenic for Bloom syndrome. Last evaluated: 2024-02-09. Review status: criteria provided, single submitter. Criteria: ACMG Guidelines, 2015. Collection method: clinical testing. Allele origin: unknown.

Fulgent Genetics
Classification: Pathogenic for Bloom syndrome. Last evaluated: 2024-01-12. Review status: criteria provided, single submitter. Criteria: ACMG Guidelines, 2015. Collection method: clinical testing. Allele origin: germline.

Blueprint Genetics
Classification: Pathogenic for BLM-related disorders. Last evaluated: 2023-06-05. Review status: criteria provided, single submitter. Criteria: ACMG Guidelines, 2015. Collection method: clinical testing. Allele origin: germline. Affected: yes. Observed: 2 variant alleles.

GeneDx
Classification: Pathogenic. Last evaluated: 2023-05-23. Review status: criteria provided, single submitter. Criteria: GeneDx Variant Classification Process June 2021. Collection method: clinical testing. Allele origin: germline. Affected: yes.
Comment: Frameshift variant predicted to result in protein truncation or nonsense mediated decay in a gene for which loss of function is a known mechanism of disease; Not observed at significant frequency in large population cohorts (gnomAD); This variant is associated with the following publications: (PMID: 17407155, 35022142)

PreventionGenetics, part of Exact Sciences
Classification: Pathogenic for BLM-related condition. Last evaluated: 2022-12-19. Review status: criteria provided, single submitter. Criteria: ACMG Guidelines, 2015. Collection method: clinical testing. Allele origin: germline.
Comment: The BLM c.3261delT variant is predicted to result in a frameshift and premature protein termination (p.Phe1087Leufs*11). This variant has been reported in the homozygous and compound heterozygous state in multiple individual with Bloom syndrome (German et al 2007. PubMed ID: 17407155). This variant has not been reported in a large population database, indicating this variant is rare. Frameshift variants in BLM are expected to be pathogenic. This variant is interpreted as pathogenic.

Ambry Genetics
Classification: Pathogenic for Hereditary cancer-predisposing syndrome. Last evaluated: 2019-11-08. Review status: criteria provided, single submitter. Criteria: Ambry Variant Classification Scheme 2023. Collection method: clinical testing. Allele origin: germline.
Comment: The c.3261delT pathogenic mutation, located in coding exon 16 of the BLM gene, results from a deletion of one nucleotide at nucleotide position 3261, causing a translational frameshift with a predicted alternate stop codon (p.F1087Lfs*11). This alteration has been detected in both the homozygous and compound heterozygous state in individuals affected with Bloom syndrome (German J et al. Hum. Mutat., 2007 Aug;28:743-53). In addition to the clinical data presented in the literature, this alteration is expected to result in loss of function by premature protein truncation or nonsense-mediated mRNA decay. As such, this alteration is interpreted as a disease-causing mutation.

Literature cited by the submitters: PubMed 17407155 (cited by 3 submitters).

NM_000057.4(BLM):c.3261del (p.Phe1087fs)

Gene: BLM (BLM RecQ like helicase; plus strand). Cytogenetic location: 15q26.1.
Variant type: Deletion.
Coding change: c.3261del on transcript NM_000057.4 (MANE Select); coding-DNA position 3261, one base deleted (T; older notation c.3261delT).
Protein change: p.Phe1087fs; shifts the reading frame from phenylalanine 1087.
Molecular consequence: frameshift variant.
Genome position (GRCh38, 1-based): chr15:90,798,240, T deleted; the last of 3 consecutive T bases (chr15:90,798,238-90,798,240); deleting any one gives the same sequence. VCF-style (leftmost placement, unchanged base first): chr15-90798237-AT-A. GRCh37 (hg19) VCF-style: chr15-91341467-AT-A.
Other names: c.3261del, p.Phe1087fs (NM_001287246.2, NM_001287247.2); c.2136del, p.Phe712fs (NM_001287248.2); c.3261del (NM_000057.2, NM_000057.3); short protein forms F1087fs, F712fs.
Identifiers: ClinVar variation 454132 (VCV000454132.25), dbSNP rs1319786857, ClinGen allele CA658658311.